The following is an entry in ClinVar:

NM_001754.5(RUNX1):c.618T>G (p.His206Gln)

Gene: RUNX1 (RUNX family transcription factor 1; minus strand). Cytogenetic location: 21q22.12.
Variant type: single nucleotide variant.
Coding change: c.618T>G on transcript NM_001754.5 (MANE Select); coding-DNA position 618, T replaced by G.
Protein change: p.His206Gln; replaces histidine 206 with glutamine.
Molecular consequence: missense variant.
Genome position (GRCh38, 1-based): chr21:34,834,597, A>C on the plus strand (T>G on the coding strand, the complement: RUNX1 is on the minus strand). VCF-style: chr21-34834597-A-C. GRCh37 (hg19) VCF-style: chr21-36206894-A-C.
Other names: NM_001754.5(RUNX1):c.618T>G; p.His206Gln; c.537T>G, p.His179Gln (NM_001001890.3, NM_001122607.2); short protein forms H179Q, H206Q.
Identifiers: ClinVar variation 3791491 (VCV003791491.1).

ClinVar aggregate classification (germline): Uncertain significance. Review status: reviewed by expert panel (3 of 4 stars). 2 submissions from 2 submitters: Uncertain significance (1). 1 of the submissions does not count toward it. Last evaluated 2025-07-14.

Conditions:
Inborn genetic diseases. Identifiers: MedGen C0950123, MeSH D030342.
Hereditary thrombocytopenia and hematologic cancer predisposition syndrome. Identifiers: Orphanet 71290, MedGen CN281654, MONDO:0011071.

Submissions (2):

ClinGen Myeloid Malignancy Variant Curation Expert Panel
Classification: Uncertain significance for Hereditary thrombocytopenia and hematologic cancer predisposition syndrome. Last evaluated: 2025-07-14. Review status: reviewed by expert panel. Criteria: ClinGen MyeloMalig ACMG Specifications v2. Collection method: curation. Allele origin: germline. Inheritance: Autosomal dominant inheritance.
Comment: NM_001754.5(RUNX1):c.618T>G (p.His206Gln) is a missense variant which is completely absent from all population databases with at least 20x coverage for RUNX1 (PM2_Supporting). In summary, the clinical significance of this variant is uncertain. ACMG/AMP criteria applied, as specified by the Myeloid Malignancy Variant Curation Expert Panel for RUNX1: PM2_supporting.

Ambry Genetics
Classification: Uncertain significance for Inborn genetic diseases. Last evaluated: 2025-01-31. Review status: criteria provided, single submitter. Criteria: Ambry Variant Classification Scheme 2023. Collection method: clinical testing. Allele origin: germline. Not counted in ClinVar's aggregate classification.
Comment: The p.H206Q variant (also known as c.618T>G), located in coding exon 6 of the RUNX1 gene, results from a T to G substitution at nucleotide position 618. The histidine at codon 206 is replaced by glutamine, an amino acid with highly similar properties. This amino acid position is conserved. In addition, the in silico prediction for this alteration is inconclusive. Based on the available evidence, the clinical significance of this variant remains unclear.